The following is an entry in ClinVar:

NM_175053.4(KRT74):c.555G>C (p.Lys185Asn)

Gene: KRT74 (keratin 74; minus strand). Cytogenetic location: 12q13.13.
Variant type: single nucleotide variant.
Coding change: c.555G>C on transcript NM_175053.4 (MANE Select); coding-DNA position 555, G replaced by C.
Protein change: p.Lys185Asn; replaces lysine 185 with asparagine.
Molecular consequence: missense variant.
Genome position (GRCh38, 1-based): chr12:52,572,584, C>G on the plus strand (G>C on the coding strand, the complement: KRT74 is on the minus strand). VCF-style: chr12-52572584-C-G. GRCh37 (hg19) VCF-style: chr12-52966368-C-G.
Other names: short protein forms K185N.
Identifiers: ClinVar variation 2872464 (VCV002872464.3), dbSNP rs78832381, ClinGen allele CA384967931.

ClinVar aggregate classification (germline): Uncertain significance (1 of 4 stars; one submission).

gnomAD v4.1: 11 of 1,614,164 alleles (0.00068%); highest among the groups gnomAD compares: African/African-American, 0.0013%; no homozygotes.

Submission:

Labcorp Genetics (formerly Invitae), Labcorp
Classification: Uncertain significance. Last evaluated: 2026-01-05. Review status: criteria provided, single submitter. Criteria: Invitae Variant Classification Sherloc (09022015). Collection method: clinical testing. Allele origin: germline.
Comment: This sequence change replaces lysine, which is basic and polar, with asparagine, which is neutral and polar, at codon 185 of the KRT74 protein (p.Lys185Asn). This variant is not present in population databases (gnomAD no frequency). This variant has not been reported in the literature in individuals affected with KRT74-related conditions. ClinVar contains an entry for this variant (Variation ID: 2872464). Invitae Evidence Modeling of protein sequence and biophysical properties (such as structural, functional, and spatial information, amino acid conservation, physicochemical variation, residue mobility, and thermodynamic stability) indicates that this missense variant is not expected to disrupt KRT74 protein function with a negative predictive value of 80%. In summary, the available evidence is currently insufficient to determine the role of this variant in disease. Therefore, it has been classified as a Variant of Uncertain Significance.